The following is an entry in ClinVar:

NM_005647.4(TBL1X):c.1606-3C>T

Gene: TBL1X (transducin beta like 1 X-linked; plus strand). Cytogenetic location: Xp22.2.
Variant type: single nucleotide variant.
Coding change: c.1606-3C>T on transcript NM_005647.4 (MANE Select); 3 bases into the intron before coding-DNA position 1606, C replaced by T.
Molecular consequence: intron variant.
Genome position (GRCh38, 1-based): chrX:9,714,899, C>T. VCF-style: chrX-9714899-C-T. GRCh37 (hg19) VCF-style: chrX-9682939-C-T.
Other names: c.1453-3C>T (NM_001139468.1, NM_001139467.1); c.1606-3C>T (NM_001139466.1).
Identifiers: ClinVar variation 4181124 (VCV004181124.1).

ClinVar aggregate classification (germline): Uncertain significance (1 of 4 stars; one submission).

Conditions:
Inborn genetic diseases. Identifiers: MedGen C0950123, MeSH D030342.

gnomAD v4.1: 1 of 1,208,713 alleles (0.000083%); highest among the groups gnomAD compares: Non-Finnish European, 0.00011%; no homozygotes.

Submission:

Ambry Genetics
Classification: Uncertain significance for Inborn genetic diseases. Last evaluated: 2025-08-11. Review status: criteria provided, single submitter. Criteria: Ambry Variant Classification Scheme 2023. Collection method: clinical testing. Allele origin: germline.
Comment: The c.1606-3C>T intronic alteration results from a C to T substitution 3 nucleotides before coding exon 14 in the TBL1X gene. This variant was not reported in population-based cohorts in the Genome Aggregation Database (gnomAD). This nucleotide position is well conserved in available vertebrate species. In silico splice site analysis predicts that this alteration may result in the creation or strengthening of a novel splice acceptor site. Based on insufficient or conflicting evidence, the clinical significance of this alteration remains unclear.